The following is an entry in ClinVar:

ClinVar aggregate classification (germline): Uncertain significance (1 of 4 stars; one submission).

Conditions:
KMT2D-related disorder. Also called: KMT2D-Related Disorders.

Submission:

PreventionGenetics, part of Exact Sciences
Classification: Uncertain significance for KMT2D-related condition. Last evaluated: 2026-07-07. Review status: criteria provided, single submitter. Criteria: ACMG Guidelines, 2015. Collection method: clinical testing. Allele origin: germline.
Comment: The KMT2D c.6388A>G variant is predicted to result in the amino acid substitution p.Thr2130Ala. To our knowledge, this variant has not been reported in the literature or in a large population database (gnomAD), indicating this variant is rare. At this time, the clinical significance of this variant is uncertain due to the absence of conclusive functional and genetic evidence.

NM_003482.4(KMT2D):c.6388A>G (p.Thr2130Ala)

Gene: KMT2D (lysine methyltransferase 2D; minus strand). Cytogenetic location: 12q13.12.
Variant type: single nucleotide variant.
Coding change: c.6388A>G on transcript NM_003482.4 (MANE Select); coding-DNA position 6388, A replaced by G.
Protein change: p.Thr2130Ala; replaces threonine 2130 with alanine.
Molecular consequence: missense variant.
Genome position (GRCh38, 1-based): chr12:49,041,382, T>C on the plus strand (A>G on the coding strand, the complement: KMT2D is on the minus strand). VCF-style: chr12-49041382-T-C. GRCh37 (hg19) VCF-style: chr12-49435165-T-C.
Other names: short protein forms T2130A.
Identifiers: ClinVar variation 4995277 (VCV004995277.1).